The following is an entry in ClinVar:

NM_000540.3(RYR1):c.10082C>T (p.Thr3361Ile)

Gene: RYR1 (ryanodine receptor 1; plus strand). Cytogenetic location: 19q13.2.
Variant type: single nucleotide variant.
Coding change: c.10082C>T on transcript NM_000540.3 (MANE Select); coding-DNA position 10082, C replaced by T.
Protein change: p.Thr3361Ile; replaces threonine 3361 with isoleucine.
Molecular consequence: missense variant.
Genome position (GRCh38, 1-based): chr19:38,519,277, C>T. VCF-style: chr19-38519277-C-T. GRCh37 (hg19) VCF-style: chr19-39009917-C-T.
Other names: c.10082C>T, p.Thr3361Ile (NM_001042723.2); short protein forms T3361I.
Identifiers: ClinVar variation 3074594 (VCV003074594.1), dbSNP rs759937967, ClinGen allele CA052327.
Genomic context (GRCh38, chr19:38,519,277, plus strand): 5'-TCGCACAGCCCATTGTGAGCCGTGCACGGCCGGAGCTCCTGCAGTCCCACTTCATCCCAA[C>T]TATCGGGCGGCTGCGCAAGAGGGCAGGGAAGGTGGTGTCCGAGGAGGAGCAGCTGCGCCT-3'
Protein context (NP_000531.2, residues 3351-3371): PELLQSHFIP[Thr3361Ile]IGRLRKRAGK

ClinVar aggregate classification (germline): Uncertain significance (1 of 4 stars; one submission).

Conditions:
Malignant hyperthermia, susceptibility to, 1 (MHS1). Also called: Anesthesia related hyperthermia; Malignant hyperpyrexia; Fulminating hyperpyrexia; Pharmacogenic myopathy; RYR1-Related Malignant Hyperthermia Susceptibility; Malignant hyperthermia suceptibility 1. Identifiers: Orphanet 423, MedGen C2930980, MONDO:0007783, OMIM 145600.

Allele frequency attached by ClinVar (database versions not stated): ExAC 0.00005; gnomAD 0.00006; gnomAD exomes 0.00010.
gnomAD v4.1: 68 of 1,614,030 alleles (0.0042%); no homozygotes.

Submission:

All of Us Research Program, National Institutes of Health
Classification: Uncertain significance for Malignant hyperthermia, susceptibility to, 1. Last evaluated: 2024-02-05. Review status: criteria provided, single submitter. Criteria: ACMG Guidelines, 2015. Collection method: clinical testing. Allele origin: germline. Inheritance: Autosomal dominant inheritance. Observed: 2 variant alleles, 2 heterozygotes.
Comment: This missense variant replaces threonine with isoleucine at codon 3361 of the RYR1 protein. Computational prediction suggests that this variant may not impact protein structure and function (internally defined REVEL score threshold <= 0.5, PMID: 27666373). To our knowledge, functional studies have not been reported for this variant. This variant has not been reported in individuals affected with RYR1-related disorders in the literature. This variant has been identified in 33/282570 chromosomes in the general population by the Genome Aggregation Database (gnomAD). The available evidence is insufficient to determine the role of this variant in disease conclusively. Therefore, this variant is classified as a Variant of Uncertain Significance.

This study involves interpretation of variants in research participants for the purpose of population health screening. Participant phenotype was not available at the time of variant classification. Additional details can be found in publication PMID: 35346344, PMCID: PMC8962531